The following is an entry in ClinVar:

NM_001042492.3(NF1):c.1539dup (p.Gln514fs)

Gene: NF1 (neurofibromin 1; plus strand). Cytogenetic location: 17q11.2.
Variant type: Duplication.
Coding change: c.1539dup on transcript NM_001042492.3 (MANE Select); coding-DNA position 1539, one base duplicated (A; older notation c.1539dupA).
Protein change: p.Gln514fs; shifts the reading frame from glutamine 514.
Molecular consequence: frameshift variant.
Genome position (GRCh38, 1-based): chr17:31,219,016, A duplicated; the last of 4 consecutive A bases (chr17:31,219,013-31,219,016); duplicating any one gives the same sequence. VCF-style (leftmost placement, unchanged base first): chr17-31219012-G-GA. GRCh37 (hg19) VCF-style: chr17-29546030-G-GA.
Other names: c.1539dup, p.Gln514Thrfs (NM_000267.4); c.1539dup, p.Gln514fs (NM_001128147.3); short protein forms Q514fs.
Identifiers: ClinVar variation 2857135 (VCV002857135.3), dbSNP rs2544840331, ClinGen allele CA2739267288.

ClinVar aggregate classification (germline): Pathogenic (1 of 4 stars; one submission).

Conditions:
Neurofibromatosis, type 1 (NF1). Also called: VON RECKLINGHAUSEN DISEASE; Neurofibromatosis, type I; Peripheral type neurofibromatosis; NEUROFIBROMATOSIS, TYPE I, SOMATIC. Identifiers: Orphanet 636, MedGen C0027831, MONDO:0018975, OMIM 162200. Disease mechanism: loss of function.

Submission:

Labcorp Genetics (formerly Invitae), Labcorp
Classification: Pathogenic for Neurofibromatosis, type 1. Last evaluated: 2023-04-17. Review status: criteria provided, single submitter. Criteria: Invitae Variant Classification Sherloc (09022015). Collection method: clinical testing. Allele origin: germline.
Comment: For these reasons, this variant has been classified as Pathogenic. This variant has not been reported in the literature in individuals affected with NF1-related conditions. This variant is not present in population databases (gnomAD no frequency). This sequence change creates a premature translational stop signal (p.Gln514Thrfs*44) in the NF1 gene. It is expected to result in an absent or disrupted protein product. Loss-of-function variants in NF1 are known to be pathogenic (PMID: 10712197, 23913538).

Literature cited by the submitters: PubMed 10712197; PubMed 23913538.